The following is an entry in ClinVar:

NM_004046.6(ATP5F1A):c.1177-2A>T

Gene: ATP5F1A (ATP synthase F1 subunit alpha; minus strand). Cytogenetic location: 18q21.1.
Variant type: single nucleotide variant.
Coding change: c.1177-2A>T on transcript NM_004046.6 (MANE Select); the canonical splice acceptor site of the intron before coding-DNA position 1177, A replaced by T.
Molecular consequence: splice acceptor variant.
Genome position (GRCh38, 1-based): chr18:46,086,496, T>A on the plus strand (A>T on the coding strand, the complement: ATP5F1A is on the minus strand). VCF-style: chr18-46086496-T-A. GRCh37 (hg19) VCF-style: chr18-43666462-T-A.
Other names: c.1177-2A>T (NM_001001937.2); c.1111-2A>T (NM_001257334.2); c.1027-2A>T (NM_001001935.3, NM_001257335.2).
Identifiers: ClinVar variation 3381335 (VCV003381335.1).
Genomic context (GRCh38, chr18:46,086,496, plus strand): 5'-AGACCAACGTTAATTGCAGGGCGGATACCTTTGTAGAACAATTCTGTTTCCAAGAAGATC[T>A]ATAATGTAAGGAAATACGCACGCTAGCAAGCTTAAAGTAAGAAATCAACTATCTTCAAAT-3'

ClinVar aggregate classification (germline): Uncertain significance (1 of 4 stars; one submission).

Submission:

GeneDx
Classification: Uncertain significance. Last evaluated: 2024-05-24. Review status: criteria provided, single submitter. Criteria: GeneDx Variant Classification Process June 2021. Collection method: clinical testing. Allele origin: germline. Affected: yes.
Comment: Not observed at significant frequency in large population cohorts (gnomAD); Has not been previously published as pathogenic or benign to our knowledge; Canonical splice site variant in a gene for which loss-of-function is not an established mechanism of disease